The following is an entry in ClinVar:

NM_000092.5(COL4A4):c.3898C>T (p.Pro1300Ser)

Gene: COL4A4 (collagen type IV alpha 4 chain; minus strand). Cytogenetic location: 2q36.3.
Variant type: single nucleotide variant.
Coding change: c.3898C>T on transcript NM_000092.5 (MANE Select); coding-DNA position 3898, C replaced by T.
Protein change: p.Pro1300Ser; replaces proline 1300 with serine.
Molecular consequence: missense variant.
Genome position (GRCh38, 1-based): chr2:227,030,518, G>A on the plus strand (C>T on the coding strand, the complement: COL4A4 is on the minus strand). VCF-style: chr2-227030518-G-A. GRCh37 (hg19) VCF-style: chr2-227895234-G-A.
Other names: short protein forms P1300S.
Identifiers: ClinVar variation 4800352 (VCV004800352.1).

ClinVar aggregate classification (germline): Uncertain significance (1 of 4 stars; one submission).

Submission:

Labcorp Genetics (formerly Invitae), Labcorp
Classification: Uncertain significance. Last evaluated: 2025-05-06. Review status: criteria provided, single submitter. Criteria: Invitae Variant Classification Sherloc (09022015). Collection method: clinical testing. Allele origin: germline.
Comment: This sequence change replaces proline, which is neutral and non-polar, with serine, which is neutral and polar, at codon 1300 of the COL4A4 protein (p.Pro1300Ser). This variant is not present in population databases (gnomAD no frequency). This variant has not been reported in the literature in individuals affected with COL4A4-related conditions. Invitae Evidence Modeling of protein sequence and biophysical properties (such as structural, functional, and spatial information, amino acid conservation, physicochemical variation, residue mobility, and thermodynamic stability) indicates that this missense variant is not expected to disrupt COL4A4 protein function with a negative predictive value of 95%. In summary, the available evidence is currently insufficient to determine the role of this variant in disease. Therefore, it has been classified as a Variant of Uncertain Significance.